The following is an entry in ClinVar:

NM_006506.5(RASA2):c.1004A>G (p.Lys335Arg)

Gene: RASA2 (RAS p21 protein activator 2; plus strand). Cytogenetic location: 3q23.
Variant type: single nucleotide variant.
Coding change: c.1004A>G on transcript NM_006506.5 (MANE Select); coding-DNA position 1004, A replaced by G.
Protein change: p.Lys335Arg; replaces lysine 335 with arginine.
Molecular consequence: missense variant.
Genome position (GRCh38, 1-based): chr3:141,571,052, A>G. VCF-style: chr3-141571052-A-G. GRCh37 (hg19) VCF-style: chr3-141289894-A-G.
Other names: c.1004A>G, p.Lys335Arg (NM_001303245.3, NM_001303246.3); c.1004A>G (NM_006506.2); short protein forms K335R.
Identifiers: ClinVar variation 2856569 (VCV002856569.4), dbSNP rs1213264832, ClinGen allele CA354775618.

ClinVar aggregate classification (germline): Uncertain significance. Review status: criteria provided, multiple submitters, no conflicts (2 of 4 stars). 2 submissions from 2 submitters: Uncertain significance (2). Last evaluated 2025-06-16.

Allele frequency attached by ClinVar (database versions not stated): gnomAD 0.00001.
gnomAD v4.1: 1 of 1,602,190 alleles (0.000062%); highest among the groups gnomAD compares: Middle Eastern, 0.017%; no homozygotes.

Submissions (2):

Ambry Genetics
Classification: Uncertain significance. Last evaluated: 2025-06-16. Review status: criteria provided, single submitter. Criteria: Ambry Variant Classification Scheme 2023. Collection method: clinical testing. Allele origin: germline.
Comment: The p.K335R variant (also known as c.1004A>G), located in coding exon 10 of the RASA2 gene, results from an A to G substitution at nucleotide position 1004. The lysine at codon 335 is replaced by arginine, an amino acid with highly similar properties. This amino acid position is conserved. In addition, this alteration is predicted to be tolerated by in silico analysis. Based on the available evidence, the clinical significance of this variant remains unclear.

Labcorp Genetics (formerly Invitae), Labcorp
Classification: Uncertain significance. Last evaluated: 2023-04-15. Review status: criteria provided, single submitter. Criteria: Invitae Variant Classification Sherloc (09022015). Collection method: clinical testing. Allele origin: germline.
Comment: In summary, the available evidence is currently insufficient to determine the role of this variant in disease. Therefore, it has been classified as a Variant of Uncertain Significance. Advanced modeling of protein sequence and biophysical properties (such as structural, functional, and spatial information, amino acid conservation, physicochemical variation, residue mobility, and thermodynamic stability) performed at Invitae indicates that this missense variant is not expected to disrupt RASA2 protein function. This variant has not been reported in the literature in individuals affected with RASA2-related conditions. This variant is present in population databases (no rsID available, gnomAD no frequency). This sequence change replaces lysine, which is basic and polar, with arginine, which is basic and polar, at codon 335 of the RASA2 protein (p.Lys335Arg).